The following is an entry in ClinVar:

ClinVar aggregate classification (germline): Uncertain significance. Review status: criteria provided, multiple submitters, no conflicts (2 of 4 stars). 3 submissions from 3 submitters: Uncertain significance (3). Last evaluated 2022-08-11.

Conditions:
Inborn genetic diseases. Identifiers: MedGen C0950123, MeSH D030342.
Pontocerebellar hypoplasia type 1B. Also called: EXOSC3 Pontocerebellar Hypoplasia. Identifiers: Orphanet 2254, MedGen C3553449, MONDO:0013853, OMIM 614678.

Submissions (3):

Ambry Genetics
Classification: Uncertain significance for Inborn genetic diseases. Last evaluated: 2022-08-11. Review status: criteria provided, single submitter. Criteria: Ambry Variant Classification Scheme 2023. Collection method: clinical testing. Allele origin: germline.
Comment: The c.808_810delTCC (p.S270del) alteration is located in exon 4 (coding exon 4) of the EXOSC3 gene. This alteration consists of an in-frame deletion of 3 nucleotides between nucleotide positions c.808 and c.810, resulting in the deletion of 1 residue. Based on insufficient or conflicting evidence, the clinical significance of this alteration remains unclear.

Labcorp Genetics (formerly Invitae), Labcorp
Classification: Uncertain significance for Pontocerebellar hypoplasia type 1B. Last evaluated: 2021-11-24. Review status: criteria provided, single submitter. Criteria: Invitae Variant Classification Sherloc (09022015). Collection method: clinical testing. Allele origin: germline.
Comment: This variant, c.808_810del, results in the deletion of 1 amino acid(s) of the EXOSC3 protein (p.Ser270del), but otherwise preserves the integrity of the reading frame. The frequency data for this variant in the population databases is considered unreliable, as metrics indicate poor data quality at this position in the gnomAD database. This variant has not been reported in the literature in individuals affected with EXOSC3-related conditions. ClinVar contains an entry for this variant (Variation ID: 1223416). In summary, the available evidence is currently insufficient to determine the role of this variant in disease. Therefore, it has been classified as a Variant of Uncertain Significance.

GeneDx
Classification: Uncertain significance. Last evaluated: 2020-01-13. Review status: criteria provided, single submitter. Criteria: GeneDx Variant Classification Process June 2021. Collection method: clinical testing. Allele origin: germline. Affected: yes.
Comment: In-frame deletion of 1 amino acids in a non-repeat region; In silico analysis, which includes protein predictors and evolutionary conservation, supports a deleterious effect; Has not been previously published as pathogenic or benign to our knowledge

NM_016042.4(EXOSC3):c.808_810del (p.Ser270del)

Gene: EXOSC3 (exosome component 3; minus strand). Cytogenetic location: 9p13.2.
Variant type: Deletion.
Coding change: c.808_810del on transcript NM_016042.4 (MANE Select); coding-DNA positions 808 to 810, 3 bases deleted (TCC; older notation c.808_810delTCC).
Protein change: p.Ser270del; deletes serine 270.
Molecular consequence: inframe deletion. On other transcripts: 3 prime UTR variant (1).
Genome position (GRCh38, 1-based): chr9:37,780,697-37,780,699, GGA deleted on the plus strand (TCC on the coding strand, the reverse complement: EXOSC3 is on the minus strand); deleting any 3 consecutive bases within chr9:37,780,697-37,780,700 gives the same sequence; the c. name uses the placement nearest the transcript's 3' end. VCF-style (leftmost placement, unchanged base first): chr9-37780696-TGGA-T. GRCh37 (hg19) VCF-style: chr9-37780693-TGGA-T.
Other names: c.*161_*163del (NM_001002269.2); c.808_810delTCC (NM_016042.2); short protein forms S270del.
Identifiers: ClinVar variation 1223416 (VCV001223416.7), dbSNP rs755175121, ClinGen allele CA5062657.
Genomic context (GRCh38, chr9:37,780,696, plus strand): 5'-ATAGTTTTTTGCCTCAACTGACCTGTAAAAAAGTCCACCTATATCAACTTTCTGCCAATC[TGGA>T]GAAGATCTGTTTTCTTTGATCTGACGTCATGTGTTCACAAGCTTCTAAAATGTTTGCCAA-3'